The following is an entry in ClinVar:

ClinVar aggregate classification (germline): Uncertain significance. Review status: criteria provided, multiple submitters, no conflicts (2 of 4 stars). 4 submissions from 4 submitters: Uncertain significance (3). 1 of the submissions does not count toward it. Last evaluated 2026-02-02.

Conditions:
Cerebral creatine deficiency syndrome. Also called: Creatine deficiency syndromes. Identifiers: Orphanet 79172, MedGen C5244016, MONDO:0000456.
Inborn genetic diseases. Identifiers: MedGen C0950123, MeSH D030342.
Deficiency of guanidinoacetate methyltransferase (CCDS2). Also called: GAMT DEFICIENCY; CEREBRAL CREATINE DEFICIENCY SYNDROME 2; Guanidinoacetate Methyltransferase (GAMT) Deficiency. Identifiers: Orphanet 382, MedGen C0574080, MONDO:0012999, OMIM 612736.

Allele frequency attached by ClinVar (database versions not stated): 1000 Genomes Project 30x 0.00016; TOPMed 0.00002; 1000 Genomes Project 0.00020.
gnomAD v4.1: 12 of 1,613,468 alleles (0.00074%); highest among the groups gnomAD compares: African/African-American, 0.0053%; no homozygotes.

Submissions (4):

Ambry Genetics
Classification: Uncertain significance for Inborn genetic diseases. Last evaluated: 2026-02-02. Review status: criteria provided, single submitter. Criteria: Ambry Variant Classification Scheme 2023. Collection method: clinical testing. Allele origin: germline.
Comment: The c.521G>T (p.W174L) alteration is located in exon 5 (coding exon 5) of the GAMT gene. This alteration results from a G to T substitution at nucleotide position 521, causing the tryptophan (W) at amino acid position 174 to be replaced by a leucine (L). Based on data from gnomAD, the T allele has an overall frequency of 0.001% (3/282268) total alleles studied. The highest observed frequency was 0.014% (1/7212) of Other alleles. Based on insufficient or conflicting evidence, the clinical significance of this alteration remains unclear.

Women's Health and Genetics/Laboratory Corporation of America, LabCorp
Classification: Uncertain significance. Last evaluated: 2024-09-15. Review status: criteria provided, single submitter. Criteria: LabCorp Variant Classification Summary - May 2015. Collection method: clinical testing. Allele origin: germline.

Labcorp Genetics (formerly Invitae), Labcorp
Classification: Uncertain significance for Cerebral creatine deficiency syndrome. Last evaluated: 2021-08-27. Review status: criteria provided, single submitter. Criteria: Invitae Variant Classification Sherloc (09022015). Collection method: clinical testing. Allele origin: germline.
Comment: This sequence change replaces tryptophan with leucine at codon 174 of the GAMT protein (p.Trp174Leu). The tryptophan residue is highly conserved and there is a small physicochemical difference between tryptophan and leucine. This variant is present in population databases (rs200444143, ExAC 0.002%). This variant has not been reported in the literature in individuals affected with GAMT-related conditions. Algorithms developed to predict the effect of missense changes on protein structure and function are either unavailable or do not agree on the potential impact of this missense change (SIFT: "Deleterious"; PolyPhen-2: "Possibly Damaging"; Align-GVGD: "Class C0"). In summary, the available evidence is currently insufficient to determine the role of this variant in disease. Therefore, it has been classified as a Variant of Uncertain Significance.

Natera, Inc.
Classification: Uncertain significance for Guanidinoacetate methyltransferase deficiency. Last evaluated: 2020-01-10. Review status: no assertion criteria provided. Collection method: clinical testing. Allele origin: germline. Not counted in ClinVar's aggregate classification.

NM_000156.6(GAMT):c.521G>T (p.Trp174Leu)

Gene: GAMT (guanidinoacetate N-methyltransferase; minus strand). Cytogenetic location: 19p13.3.
Variant type: single nucleotide variant.
Coding change: c.521G>T on transcript NM_000156.6 (MANE Select); coding-DNA position 521, G replaced by T.
Protein change: p.Trp174Leu; replaces tryptophan 174 with leucine.
Molecular consequence: missense variant.
Genome position (GRCh38, 1-based): chr19:1,398,965, C>A on the plus strand (G>T on the coding strand, the complement: GAMT is on the minus strand). VCF-style: chr19-1398965-C-A. GRCh37 (hg19) VCF-style: chr19-1398964-C-A.
Other names: c.521G>T, p.Trp174Leu (NM_138924.3); short protein forms W174L.
Identifiers: ClinVar variation 966083 (VCV000966083.9), dbSNP rs200444143, ClinGen allele CA9043618.